The following is an entry in ClinVar:

ClinVar aggregate classification (germline): Uncertain significance. Review status: criteria provided, multiple submitters, no conflicts (2 of 4 stars). 3 submissions from 3 submitters: Uncertain significance (3). Last evaluated 2025-12-01.

Conditions:
Mitochondrial complex II deficiency, nuclear type 1. Also called: SUCCINATE CoQ REDUCTASE DEFICIENCY. Identifiers: Orphanet 3208, MedGen C5700310, MONDO:0100294, OMIM 252011.
Neurodegeneration with ataxia and late-onset optic atrophy. Identifiers: MedGen C5543254, MONDO:0031006, OMIM 619259.
Pheochromocytoma/paraganglioma syndrome 5. Also called: Paragangliomas 5; SDHA-Related Hereditary Paraganglioma-Pheochromocytoma Syndrome. Identifiers: Orphanet 29072, MedGen C3279992, MONDO:0013602, OMIM 614165.
Dilated cardiomyopathy 1GG (CMD1GG). Identifiers: Orphanet 154, MedGen C3150898, MONDO:0013339, OMIM 613642.
Hereditary cancer-predisposing syndrome. Also called: Hereditary Cancer Syndrome; Neoplastic Syndromes, Hereditary; Tumor predisposition; Hereditary neoplastic syndrome. Identifiers: Orphanet 140162, MedGen C0027672, MeSH D009386, MONDO:0015356.

Allele frequency attached by ClinVar (database versions not stated): gnomAD exomes below 0.00001; TOPMed below 0.00001; gnomAD 0.00001.
gnomAD v4.1: 2 of 1,614,038 alleles (0.00012%); highest among the groups gnomAD compares: Admixed American, 0.0033%; no homozygotes.

Submissions (3):

Labcorp Genetics (formerly Invitae), Labcorp
Classification: Uncertain significance for Pheochromocytoma/paraganglioma syndrome 5; Mitochondrial complex II deficiency, nuclear type 1. Last evaluated: 2025-12-01. Review status: criteria provided, single submitter. Criteria: Invitae Variant Classification Sherloc (09022015). Collection method: clinical testing. Allele origin: germline.
Comment: This sequence change replaces lysine, which is basic and polar, with arginine, which is basic and polar, at codon 182 of the SDHA protein (p.Lys182Arg). This variant is present in population databases (no rsID available, gnomAD 0.003%). This variant has not been reported in the literature in individuals affected with SDHA-related conditions. ClinVar contains an entry for this variant (Variation ID: 2200757). Invitae Evidence Modeling of protein sequence and biophysical properties (such as structural, functional, and spatial information, amino acid conservation, physicochemical variation, residue mobility, and thermodynamic stability) indicates that this missense variant is not expected to disrupt SDHA protein function with a negative predictive value of 95%. In summary, the available evidence is currently insufficient to determine the role of this variant in disease. Therefore, it has been classified as a Variant of Uncertain Significance.

Ambry Genetics
Classification: Uncertain significance for Hereditary cancer-predisposing syndrome. Last evaluated: 2024-08-07. Review status: criteria provided, single submitter. Criteria: Ambry Variant Classification Scheme 2023. Collection method: clinical testing. Allele origin: germline.
Comment: The p.K182R variant (also known as c.545A>G), located in coding exon 5 of the SDHA gene, results from an A to G substitution at nucleotide position 545. The lysine at codon 182 is replaced by arginine, an amino acid with highly similar properties. This amino acid position is highly conserved in available vertebrate species. In addition, the in silico prediction for this alteration is inconclusive. Based on the available evidence, the clinical significance of this variant remains unclear.

Fulgent Genetics
Classification: Uncertain significance for Mitochondrial complex II deficiency, nuclear type 1; Dilated cardiomyopathy 1GG; Pheochromocytoma/paraganglioma syndrome 5; Neurodegeneration with ataxia and late-onset optic atrophy. Last evaluated: 2024-01-06. Review status: criteria provided, single submitter. Criteria: ACMG Guidelines, 2015. Collection method: clinical testing. Allele origin: germline.

NM_004168.4(SDHA):c.545A>G (p.Lys182Arg)

Gene: SDHA (succinate dehydrogenase complex flavoprotein subunit A; plus strand). Cytogenetic location: 5p15.33.
Variant type: single nucleotide variant.
Coding change: c.545A>G on transcript NM_004168.4 (MANE Select); coding-DNA position 545, A replaced by G.
Protein change: p.Lys182Arg; replaces lysine 182 with arginine.
Molecular consequence: missense variant.
Genome position (GRCh38, 1-based): chr5:225,971, A>G. VCF-style: chr5-225971-A-G. GRCh37 (hg19) VCF-style: chr5-226086-A-G.
Other names: c.401A>G, p.Lys134Arg (NM_001294332.2); c.545A>G, p.Lys182Arg (NM_001330758.2); c.545A>G (NM_004168.2); short protein forms K182R, K134R.
Identifiers: ClinVar variation 2200757 (VCV002200757.6), dbSNP rs1269170598, ClinGen allele CA359010338.
Genomic context (GRCh38, chr5:225,971, plus strand): 5'-GAACTGAAGATGGGAAGATTTATCAGCGTGCATTTGGTGGACAGAGCCTCAAGTTTGGAA[A>G]GGGCGGGCAGGCCCATCGGTGCTGCTGTGTGGCTGATCGGACTGGCCACTCGCTATTGCA-3'
Protein context (NP_004159.2, residues 172-192): AFGGQSLKFG[Lys182Arg]GGQAHRCCCV